The following is an entry in ClinVar:

NC_000007.13:g.(117149197_117170952)_(117254768_117267575)del

Gene: CFTR (CF transmembrane conductance regulator; plus strand). Cytogenetic location: 7q31.2.
Variant type: Deletion.
Identifiers: ClinVar variation 3068883 (VCV003068883.1).

ClinVar aggregate classification (germline): Pathogenic (1 of 4 stars; one submission).

Conditions:
Cystic fibrosis (CF). Also called: MUCOVISCIDOSIS. Identifiers: Orphanet 586, MedGen C0010674, MONDO:0009061, OMIM 219700. Disease mechanism: loss of function.

Submission:

Women's Health and Genetics/Laboratory Corporation of America, LabCorp
Classification: Pathogenic for Cystic fibrosis. Last evaluated: 2024-02-27. Review status: criteria provided, single submitter. Criteria: LabCorp Variant Classification Summary - May 2015. Collection method: clinical testing. Allele origin: germline.
Comment: Variant summary: The variant involves the deletion of exons 4-21 in the CFTR gene. A presumed nomenclature of c.(273+1_274-1)_(3468+1_3469-1)del has been designated for the purposes of this classification. This Copy Number Variant (CNV) is predicted to result in a large in-frame deletion within this gene. The variant allele was found at a frequency of 2.3e-06 in 441904 control chromosomes (gnomAD CNVs v4.0). To our knowledge, no occurrence of c.(273+1_274-1)_(3468+1_3469-1)del in individuals affected with Cystic Fibrosis and no experimental evidence demonstrating its impact on protein function have been reported. However, smaller in-frame deletion CNVs within the deleted region have been classified as pathogenic by our lab (e.g. deletion of exons 4-8 and exons 12-21), suggesting the deletion of exons 4-21 is also disease-causing. In addition, several missense and smaller in-frame deletion variants have also been classified as pathogenic by our lab in the deleted region. ClinVar contains an entry for this variant (Variation ID: 979792). Based on the evidence outlined above, the variant was classified as pathogenic.